The following is an entry in ClinVar:

NM_033518.4(SLC38A5):c.113C>T (p.Pro38Leu)

Gene: SLC38A5 (solute carrier family 38 member 5; minus strand). Cytogenetic location: Xp11.23.
Variant type: single nucleotide variant.
Coding change: c.113C>T on transcript NM_033518.4 (MANE Select); coding-DNA position 113, C replaced by T.
Protein change: p.Pro38Leu; replaces proline 38 with leucine.
Molecular consequence: missense variant.
Genome position (GRCh38, 1-based): chrX:48,467,726, G>A on the plus strand (C>T on the coding strand, the complement: SLC38A5 is on the minus strand). VCF-style: chrX-48467726-G-A. GRCh37 (hg19) VCF-style: chrX-48326113-G-A.
Other names: short protein forms P38L.
Identifiers: ClinVar variation 3054940 (VCV003054940.2), dbSNP rs200149039, ClinGen allele CA10402414.

ClinVar aggregate classification (germline): Likely benign (0 of 4 stars; one submission).

Conditions:
SLC38A5-related disorder. Also called: SLC38A5-related condition.

Allele frequency attached by ClinVar (database versions not stated): ESP Exome Variant Server 0.00009; ExAC 0.00016; 1000 Genomes Project 30x 0.00021; 1000 Genomes Project 0.00026.

Submission:

PreventionGenetics, part of Exact Sciences
Classification: Likely benign for SLC38A5-related condition. Last evaluated: 2023-06-08. Review status: no assertion criteria provided. Collection method: clinical testing. Allele origin: germline.
Comment: This variant is classified as likely benign based on ACMG/AMP sequence variant interpretation guidelines (Richards et al. 2015 PMID: 25741868, with internal and published modifications).